The following is an entry in ClinVar:

NM_201384.3(PLEC):c.8948C>T (p.Ala2983Val)

Gene: PLEC (plectin; minus strand). Cytogenetic location: 8q24.3.
Variant type: single nucleotide variant.
Coding change: c.8948C>T on transcript NM_201384.3 (MANE Select); coding-DNA position 8948, C replaced by T.
Protein change: p.Ala2983Val; replaces alanine 2983 with valine.
Molecular consequence: missense variant.
Genome position (GRCh38, 1-based): chr8:143,920,873, G>A on the plus strand (C>T on the coding strand, the complement: PLEC is on the minus strand). VCF-style: chr8-143920873-G-A. GRCh37 (hg19) VCF-style: chr8-144995041-G-A.
Other names: c.9029C>T, p.Ala3010Val (NM_000445.5); c.8906C>T, p.Ala2969Val (NM_201378.4); c.8882C>T, p.Ala2961Val (NM_201379.3); c.9359C>T, p.Ala3120Val (NM_201380.4); c.8852C>T, p.Ala2951Val (NM_201381.3); c.8948C>T, p.Ala2983Val (NM_201382.4); c.8960C>T, p.Ala2987Val (NM_201383.3); short protein forms A2951V, A2961V, A2969V, A2983V, A2987V, A3010V, A3120V.
Identifiers: ClinVar variation 505386 (VCV000505386.5), dbSNP rs1017632168, ClinGen allele CA187611541.

ClinVar aggregate classification (germline): Uncertain significance (1 of 4 stars; one submission).

Submission:

Laboratory for Molecular Medicine, Mass General Brigham Personalized Medicine
Classification: Uncertain significance. Last evaluated: 2016-12-13. Review status: criteria provided, single submitter. Criteria: LMM Criteria. Collection method: clinical testing. Allele origin: germline. Observed: 1 variant allele.
Comment: The p.Ala3120Val variant in PLEC has not been previously reported in individuals with myopathy and is absent from large population studies. Computational predic tion tools and conservation analysis do not provide strong support for or agains t an impact to the protein. In summary, the clinical significance of the p.Ala31 20Val variant is uncertain